The following is an entry in ClinVar:

NM_001165963.4(SCN1A):c.1177C>A (p.Arg393Ser)

Gene: SCN1A (sodium voltage-gated channel alpha subunit 1; minus strand). Cytogenetic location: 2q24.3.
Variant type: single nucleotide variant.
Coding change: c.1177C>A on transcript NM_001165963.4 (MANE Select); coding-DNA position 1177, C replaced by A.
Protein change: p.Arg393Ser; replaces arginine 393 with serine.
Molecular consequence: missense variant. On other transcripts: 5 prime UTR variant (1), non-coding transcript variant (1).
Genome position (GRCh38, 1-based): chr2:166,046,970, G>T on the plus strand (C>A on the coding strand, the complement: SCN1A is on the minus strand). VCF-style: chr2-166046970-G-T. GRCh37 (hg19) VCF-style: chr2-166903480-G-T.
Other names: c.1177C>A, p.Arg393Ser (NM_001165964.3, NM_001202435.3, NM_001353948.2 and 10 more transcripts); c.-1249C>A (NM_001353961.2); short protein forms R393S.
Identifiers: ClinVar variation 68504 (VCV000068504.10), dbSNP rs121917929, ClinGen allele CA284865.

ClinVar aggregate classification (germline): Pathogenic. Review status: criteria provided, single submitter (1 of 4 stars). 2 submissions from 2 submitters: Pathogenic (1). 1 of the submissions does not count toward it. Last evaluated 2019-04-25.

Conditions:
Early-infantile DEE. Also called: Early infantile epileptic encephalopathy; Early infantile epileptic encephalopathy with suppression bursts; Ohtahara syndrome. Identifiers: Orphanet 1934, MedGen C0393706, MONDO:0800491.
Severe myoclonic epilepsy in infancy (DRVT). Also called: SEVERE MYOCLONIC EPILEPSY OF INFANCY; DEVELOPMENTAL AND EPILEPTIC ENCEPHALOPATHY 6A; Severe Myoclonic Epilepsy in Infancy (SMEI); Dravet syndrome; Epileptic encephalopathy, early infantile, 6 (Dravet syndrome). Identifiers: Orphanet 33069, MedGen C0751122, MONDO:0100135, OMIM 607208.

Submissions (2):

Labcorp Genetics (formerly Invitae), Labcorp
Classification: Pathogenic for Early-infantile DEE. Last evaluated: 2019-04-25. Review status: criteria provided, single submitter. Criteria: Invitae Variant Classification Sherloc (09022015). Collection method: clinical testing. Allele origin: germline.
Comment: This sequence change replaces arginine with serine at codon 393 of the SCN1A protein (p.Arg393Ser). The arginine residue is highly conserved and there is a moderate physicochemical difference between arginine and serine. This variant is not present in population databases (ExAC no frequency). This variant has been observed to be de novo in an individual affected with severe myoclonic epilepsy in infancy (PMID: 17054684). ClinVar contains an entry for this variant (Variation ID: 68504). Algorithms developed to predict the effect of missense changes on protein structure and function (SIFT, PolyPhen-2, Align-GVGD) all suggest that this variant is likely to be disruptive, but these predictions have not been confirmed by published functional studies and their clinical significance is uncertain. This variant disrupts the p.Arg393 amino acid residue in SCN1A. Other variant(s) that disrupt this residue have been determined to be pathogenic (PMID: 17054684, 22848613, 18930999, 21868258). This suggests that this residue is clinically significant, and that variants that disrupt this residue are likely to be disease-causing. For these reasons, this variant has been classified as Pathogenic.

UniProtKB/Swiss-Prot
No classification provided. Condition: Severe myoclonic epilepsy in infancy. Review status: no classification provided. Collection method: not provided. Allele origin: unknown. Not counted in ClinVar's aggregate classification.

Literature cited by the submitters: PubMed 17054684 (cited by Labcorp Genetics (formerly Invitae), Labcorp); PubMed 22848613 (cited by Labcorp Genetics (formerly Invitae), Labcorp); PubMed 18930999 (cited by Labcorp Genetics (formerly Invitae), Labcorp); PubMed 21868258 (cited by Labcorp Genetics (formerly Invitae), Labcorp).